The following is an entry in ClinVar:

ClinVar aggregate classification (germline): Uncertain significance. Review status: criteria provided, multiple submitters, no conflicts (2 of 4 stars). 3 submissions from 3 submitters: Uncertain significance (3). Last evaluated 2026-06-19.

Conditions:
Multiple congenital anomalies-hypotonia-seizures syndrome 1 (MCAHS1). Also called: GLYCOSYLPHOSPHATIDYLINOSITOL BIOSYNTHESIS DEFECT 3; PIGN-CDG; Congenital disorder of glycosylation due to PIGN deficiency. Identifiers: Orphanet 280633, MedGen C3279775, MONDO:0013563, OMIM 614080.

Allele frequency attached by ClinVar (database versions not stated): gnomAD 0.00001; TOPMed 0.00002; ExAC 0.00003; gnomAD exomes 0.00003.
gnomAD v4.1: 15 of 1,613,486 alleles (0.00093%); highest among the groups gnomAD compares: Admixed American, 0.015%; no homozygotes.

Submissions (3):

Women's Health and Genetics/Laboratory Corporation of America, LabCorp
Classification: Uncertain significance. Last evaluated: 2026-06-19. Review status: criteria provided, single submitter. Criteria: LabCorp Variant Classification Summary - May 2015. Collection method: clinical testing. Allele origin: germline.
Comment: Variant summary: PIGN c.128C>T (p.Ala43Val) results in a non-conservative amino acid change in the encoded protein sequence. Algorithms developed to predict the effect of missense changes on protein structure and function all suggest that this variant is likely to be disruptive. The variant allele was found at a frequency of 3.2e-05 in 249048 control chromosomes. The available data on variant occurrences in the general population are insufficient to allow any conclusion about variant significance. These data do not allow any conclusion about variant significance. To our knowledge, no experimental evidence demonstrating an impact on protein function has been reported. ClinVar contains an entry for this variant (Variation ID: 539555). Based on the evidence outlined above, the variant was classified as uncertain significance.

GeneDx
Classification: Uncertain significance. Last evaluated: 2026-02-10. Review status: criteria provided, single submitter. Criteria: GeneDx Variant Classification Process June 2021. Collection method: clinical testing. Allele origin: germline.
Comment: Has not been previously published as pathogenic or benign to our knowledge; In silico analysis supports that this missense variant has a deleterious effect on protein structure/function

Labcorp Genetics (formerly Invitae), Labcorp
Classification: Uncertain significance for Multiple congenital anomalies-hypotonia-seizures syndrome 1. Last evaluated: 2026-01-22. Review status: criteria provided, single submitter. Criteria: Invitae Variant Classification Sherloc (09022015). Collection method: clinical testing. Allele origin: germline.
Comment: This sequence change replaces alanine, which is neutral and non-polar, with valine, which is neutral and non-polar, at codon 43 of the PIGN protein (p.Ala43Val). This variant is present in population databases (rs759600092, gnomAD 0.02%). This missense change has been observed in individual(s) with PIGN-related conditions (internal data). In at least one individual the data is consistent with being in trans (on the opposite chromosome) from a pathogenic variant. ClinVar contains an entry for this variant (Variation ID: 539555). Invitae Evidence Modeling of protein sequence and biophysical properties (such as structural, functional, and spatial information, amino acid conservation, physicochemical variation, residue mobility, and thermodynamic stability) indicates that this missense variant is expected to disrupt PIGN protein function with a positive predictive value of 80%. In summary, the available evidence is currently insufficient to determine the role of this variant in disease. Therefore, it has been classified as a Variant of Uncertain Significance.

NM_176787.5(PIGN):c.128C>T (p.Ala43Val)

Gene: PIGN (phosphatidylinositol glycan anchor biosynthesis class N; minus strand). Cytogenetic location: 18q21.33.
Variant type: single nucleotide variant.
Coding change: c.128C>T on transcript NM_176787.5 (MANE Select); coding-DNA position 128, C replaced by T.
Protein change: p.Ala43Val; replaces alanine 43 with valine.
Molecular consequence: missense variant.
Genome position (GRCh38, 1-based): chr18:62,161,226, G>A on the plus strand (C>T on the coding strand, the complement: PIGN is on the minus strand). VCF-style: chr18-62161226-G-A. GRCh37 (hg19) VCF-style: chr18-59828459-G-A.
Other names: c.128C>T, p.Ala43Val (NM_012327.6); short protein forms A43V.
Identifiers: ClinVar variation 539555 (VCV000539555.10), dbSNP rs759600092, ClinGen allele CA8982659.